The following is an entry in ClinVar:

NM_018139.3(DNAAF2):c.1634C>T (p.Pro545Leu)

Genes: DNAAF2 (dynein axonemal assembly factor 2; minus strand), LOC130055541 (ATAC-STARR-seq lymphoblastoid active region 8320; plus strand). Cytogenetic location: 14q21.3.
Variant type: single nucleotide variant.
Coding change: c.1634C>T on transcript NM_018139.3 (MANE Select); coding-DNA position 1634, C replaced by T.
Protein change: p.Pro545Leu; replaces proline 545 with leucine.
Molecular consequence: missense variant. On other transcripts: 5 prime UTR variant (1).
Genome position (GRCh38, 1-based): chr14:49,633,516, G>A on the plus strand (C>T on the coding strand, the complement: DNAAF2 is on the minus strand). VCF-style: chr14-49633516-G-A. GRCh37 (hg19) VCF-style: chr14-50100234-G-A.
Other names: c.1634C>T, p.Pro545Leu (NM_001083908.2); c.-238C>T (NM_001378453.1); short protein forms P545L.
Identifiers: ClinVar variation 2188312 (VCV002188312.4), dbSNP rs761139069, ClinGen allele CA7172859.

ClinVar aggregate classification (germline): Uncertain significance (1 of 4 stars; one submission).

Conditions:
Primary ciliary dyskinesia. Also called: Ciliary dyskinesia. Identifiers: Orphanet 244, MedGen C0008780, MONDO:0016575, HP:0012265.

Allele frequency attached by ClinVar (database versions not stated): ExAC 0.00001.
gnomAD v4.1: 9 of 1,614,024 alleles (0.00056%); highest among the groups gnomAD compares: South Asian, 0.0088%; no homozygotes.

Submission:

Labcorp Genetics (formerly Invitae), Labcorp
Classification: Uncertain significance for Primary ciliary dyskinesia. Last evaluated: 2022-08-11. Review status: criteria provided, single submitter. Criteria: Invitae Variant Classification Sherloc (09022015). Collection method: clinical testing. Allele origin: germline.
Comment: This variant has not been reported in the literature in individuals affected with DNAAF2-related conditions. Algorithms developed to predict the effect of missense changes on protein structure and function (SIFT, PolyPhen-2, Align-GVGD) all suggest that this variant is likely to be tolerated. In summary, the available evidence is currently insufficient to determine the role of this variant in disease. Therefore, it has been classified as a Variant of Uncertain Significance. This sequence change replaces proline, which is neutral and non-polar, with leucine, which is neutral and non-polar, at codon 545 of the DNAAF2 protein (p.Pro545Leu). This variant is present in population databases (rs761139069, gnomAD 0.006%).